The following is an entry in ClinVar:

NM_004415.4(DSP):c.2906C>T (p.Thr969Ile)

Gene: DSP (desmoplakin; plus strand). Cytogenetic location: 6p24.3.
Variant type: single nucleotide variant.
Coding change: c.2906C>T on transcript NM_004415.4 (MANE Select); coding-DNA position 2906, C replaced by T.
Protein change: p.Thr969Ile; replaces threonine 969 with isoleucine.
Molecular consequence: missense variant.
Genome position (GRCh38, 1-based): chr6:7,577,807, C>T. VCF-style: chr6-7577807-C-T. GRCh37 (hg19) VCF-style: chr6-7578040-C-T.
Other names: c.2906C>T, p.Thr969Ile (NM_001008844.3, NM_001319034.2); short protein forms T969I.
Identifiers: ClinVar variation 920798 (VCV000920798.16), dbSNP rs1265482489, ClinGen allele CA362682416.
Genomic context (GRCh38, chr6:7,577,807, plus strand): 5'-GGACACTTTTCTTAAACTTCATTATGCTGCAGGATTATGAGCTCCAGCTGGCCTCATACA[C>T]CTCAGGACTGGAAACTCTGCTGAACATACCTATCAAGAGGACCATGATTCAGTCCCCTTC-3'
Protein context (NP_004406.2, residues 959-979): KDYELQLASY[Thr969Ile]SGLETLLNIP

ClinVar aggregate classification (germline): Uncertain significance. Review status: criteria provided, multiple submitters, no conflicts (2 of 4 stars). 4 submissions from 4 submitters: Uncertain significance (4). Last evaluated 2025-03-05.

Conditions:
Arrhythmogenic cardiomyopathy with wooly hair and keratoderma. Also called: PALMOPLANTAR KERATODERMA WITH LEFT VENTRICULAR CARDIOMYOPATHY AND WOOLLY HAIR; Carvajal syndrome; Dilated cardiomyopathy with woolly hair and keratoderma; Arrhythmogenic cardiomyopathy with woolly hair and keratoderma. Identifiers: Orphanet 65282, MedGen C1854063, MONDO:0011581, OMIM 605676.
Arrhythmogenic right ventricular dysplasia 8 (ARVD8). Also called: Arrhythmogenic Right Ventricular Dysplasia/Cardiomyopathy 8; ARRHYTHMOGENIC RIGHT VENTRICULAR DYSPLASIA, FAMILIAL, 8; ARRHYTHMOGENIC RIGHT VENTRICULAR CARDIOMYOPATHY 8. Identifiers: MedGen C1843896, MONDO:0011831, OMIM 607450.
Cardiomyopathy (CMYO). Also called: Cardiomyopathies. Identifiers: Orphanet 167848, MedGen C0878544, MONDO:0004994, HP:0001638. Inheritance: Various modes of inheritance.
Woolly hair-skin fragility syndrome (WHSF). Identifiers: Orphanet 293165, MedGen C1843292, MONDO:0957307, OMIM 620415.
Cardiomyopathy, dilated, with wooly hair, keratoderma, and tooth agenesis. Also called: Cardiomyopathy, dilated, with woolly hair, keratoderma, and tooth agenesis; Erythrokeratodermia-cardiomyopathy syndrome. Identifiers: Orphanet 476096, Orphanet 65282, MedGen C4014393, MONDO:0014355, OMIM 615821.
Lethal acantholytic epidermolysis bullosa (EBLA). Identifiers: Orphanet 158687, MedGen C1864826, MONDO:0012323, OMIM 609638.
Keratosis palmoplantaris striata 2. Also called: KERATODERMA, PALMOPLANTAR, STRIATE FORM II; STRIATE PALMOPLANTAR KERATODERMA II; Keratosis palmoplantaris striata II. Identifiers: MedGen C1852127, MONDO:0013034, OMIM 612908.

Allele frequency attached by ClinVar (database versions not stated): gnomAD exomes below 0.00001; TOPMed below 0.00001; gnomAD 0.00001.
gnomAD v4.1: 6 of 1,614,022 alleles (0.00037%); highest among the groups gnomAD compares: East Asian, 0.0045%; no homozygotes.

Submissions (4):

Labcorp Genetics (formerly Invitae), Labcorp
Classification: Uncertain significance for Arrhythmogenic cardiomyopathy with wooly hair and keratoderma; Arrhythmogenic right ventricular dysplasia 8. Last evaluated: 2025-03-05. Review status: criteria provided, single submitter. Criteria: Invitae Variant Classification Sherloc (09022015). Collection method: clinical testing. Allele origin: germline.
Comment: This sequence change replaces threonine, which is neutral and polar, with isoleucine, which is neutral and non-polar, at codon 969 of the DSP protein (p.Thr969Ile). This variant is not present in population databases (gnomAD no frequency). This missense change has been observed in individual(s) with dilated cardiomyopathy (PMID: 36178741). ClinVar contains an entry for this variant (Variation ID: 920798). An algorithm developed to predict the effect of missense changes on protein structure and function (PolyPhen-2) suggests that this variant is likely to be tolerated. In summary, the available evidence is currently insufficient to determine the role of this variant in disease. Therefore, it has been classified as a Variant of Uncertain Significance.

Color Diagnostics, LLC DBA Color Health
Classification: Uncertain significance for Cardiomyopathy. Last evaluated: 2024-03-06. Review status: criteria provided, single submitter. Criteria: ACMG Guidelines, 2015. Collection method: clinical testing. Allele origin: germline.
Comment: This missense variant replaces threonine with isoleucine at codon 969 of the DSP protein. Computational prediction suggests that this variant may not impact protein structure and function (internally defined REVEL score threshold <= 0.5, PMID: 27666373). To our knowledge, functional studies have not been performed for this variant. This variant has not been reported in individuals affected with cardiovascular disorders in the literature. This variant has not been identified in the general population by the Genome Aggregation Database (gnomAD). The available evidence is insufficient to determine the role of this variant in disease conclusively. Therefore, this variant is classified as a Variant of Uncertain Significance.

All of Us Research Program, National Institutes of Health
Classification: Uncertain significance for Arrhythmogenic cardiomyopathy with wooly hair and keratoderma. Last evaluated: 2023-08-15. Review status: criteria provided, single submitter. Criteria: ACMG Guidelines, 2015. Collection method: clinical testing. Allele origin: germline. Inheritance: Autosomal dominant inheritance. Observed: 1 variant allele, 1 heterozygote.
Comment: This missense variant replaces threonine with isoleucine at codon 969 of the DSP protein. Computational prediction suggests that this variant may not impact protein structure and function (internally defined REVEL score threshold <= 0.5, PMID: 27666373). To our knowledge, functional studies have not been performed for this variant. This variant has not been reported in individuals affected with cardiovascular disorders in the literature. This variant has not been identified in the general population by the Genome Aggregation Database (gnomAD). The available evidence is insufficient to determine the role of this variant in disease conclusively. Therefore, this variant is classified as a Variant of Uncertain Significance.

This study involves interpretation of variants in research participants for the purpose of population health screening. Participant phenotype was not available at the time of variant classification. Additional details can be found in publication PMID: 35346344, PMCID: PMC8962531

Fulgent Genetics
Classification: Uncertain significance for Arrhythmogenic cardiomyopathy with wooly hair and keratoderma; Arrhythmogenic right ventricular dysplasia 8; Lethal acantholytic epidermolysis bullosa; Keratosis palmoplantaris striata 2; Cardiomyopathy, dilated, with wooly hair, keratoderma, and tooth agenesis. Last evaluated: 2022-02-17. Review status: criteria provided, single submitter. Criteria: ACMG Guidelines, 2015. Collection method: clinical testing. Allele origin: unknown.

Literature cited by the submitters: PubMed 36178741 (cited by Labcorp Genetics (formerly Invitae), Labcorp).